The following is an entry in ClinVar:

NM_197968.4(ZMYM2):c.3971T>C (p.Val1324Ala)

Gene: ZMYM2 (zinc finger MYM-type containing 2; plus strand). Cytogenetic location: 13q12.11.
Variant type: single nucleotide variant.
Coding change: c.3971T>C on transcript NM_197968.4 (MANE Select); coding-DNA position 3971, T replaced by C.
Protein change: p.Val1324Ala; replaces valine 1324 with alanine.
Molecular consequence: missense variant. On other transcripts: non-coding transcript variant (1).
Genome position (GRCh38, 1-based): chr13:20,085,851, T>C. VCF-style: chr13-20085851-T-C. GRCh37 (hg19) VCF-style: chr13-20659991-T-C.
Other names: c.3971T>C, p.Val1324Ala (NM_001190964.4, NM_001190965.4, NM_001353157.2 and 4 more transcripts); c.3776T>C, p.Val1259Ala (NM_001353161.3); c.3710T>C, p.Val1237Ala (NM_001353163.2); short protein forms V1237A, V1259A, V1324A.
Identifiers: ClinVar variation 3373214 (VCV003373214.1).
Genomic context (GRCh38, chr13:20,085,851, plus strand): 5'-ACTTTTTCTCTTTTTCCTCCCGCCTCCAAAGTCCACAGAATCTTAATCAGAGGATGGATG[T>C]TTTTTATTTGCAACCAGAATGCTCTAGTTCTACAGATAGCCCTGTCTGGTATACGTCTAC-3'
Protein context (NP_932072.1, residues 1314-1334): SPQNLNQRMD[Val1324Ala]FYLQPECSSS

ClinVar aggregate classification (germline): Uncertain significance (1 of 4 stars; one submission).

gnomAD v4.1: 1 of 1,611,640 alleles (0.000062%); highest among the groups gnomAD compares: Non-Finnish European, 0.000085%; no homozygotes.

Submission:

GeneDx
Classification: Uncertain significance. Last evaluated: 2024-05-02. Review status: criteria provided, single submitter. Criteria: GeneDx Variant Classification Process June 2021. Collection method: clinical testing. Allele origin: germline. Affected: yes.
Comment: Not observed at significant frequency in large population cohorts (gnomAD); In silico analysis supports that this missense variant has a deleterious effect on protein structure/function; Has not been previously published as pathogenic or benign to our knowledge